The following is an entry in ClinVar:

ClinVar aggregate classification (germline): Uncertain significance (1 of 4 stars; one submission).

Conditions:
Neuropathy, hereditary sensory and autonomic, type 2A (HSAN2A). Also called: HSAN IIA; WNK1-Related HSAN2 (HSAN2A); ACROOSTEOLYSIS, GIACCAI TYPE; ACROOSTEOLYSIS, NEUROGENIC; MORVAN DISEASE; NEUROPATHY, CONGENITAL SENSORY. Identifiers: Orphanet 970, MedGen C2752089, MONDO:0024309, OMIM 201300.
Pseudohypoaldosteronism type 2C (PHA2C). Also called: Pseudohypoaldosteronism Type IIC. Identifiers: Orphanet 757, Orphanet 88940, MedGen C1840391, MONDO:0013778, OMIM 614492.

Allele frequency attached by ClinVar (database versions not stated): TOPMed below 0.00001; gnomAD exomes below 0.00001.
gnomAD v4.1: 1 of 1,613,822 alleles (0.000062%); highest among the groups gnomAD compares: Non-Finnish European, 0.000085%; no homozygotes.

Submission:

Labcorp Genetics (formerly Invitae), Labcorp
Classification: Uncertain significance for Neuropathy, hereditary sensory and autonomic, type 2A; Pseudohypoaldosteronism type 2C. Last evaluated: 2023-08-17. Review status: criteria provided, single submitter. Criteria: Invitae Variant Classification Sherloc (09022015). Collection method: clinical testing. Allele origin: germline.
Comment: This sequence change replaces arginine, which is basic and polar, with glutamine, which is neutral and polar, at codon 572 of the WNK1 protein (p.Arg572Gln). This variant is not present in population databases (gnomAD no frequency). This variant has not been reported in the literature in individuals affected with WNK1-related conditions. ClinVar contains an entry for this variant (Variation ID: 1971317). Advanced modeling of protein sequence and biophysical properties (such as structural, functional, and spatial information, amino acid conservation, physicochemical variation, residue mobility, and thermodynamic stability) performed at Invitae indicates that this missense variant is not expected to disrupt WNK1 protein function. In summary, the available evidence is currently insufficient to determine the role of this variant in disease. Therefore, it has been classified as a Variant of Uncertain Significance.

NM_018979.4(WNK1):c.1715G>A (p.Arg572Gln)

Gene: WNK1 (WNK lysine deficient protein kinase 1; plus strand). Cytogenetic location: 12p13.33.
Variant type: single nucleotide variant.
Coding change: c.1715G>A on transcript NM_018979.4 (MANE Select); coding-DNA position 1715, G replaced by A.
Protein change: p.Arg572Gln; replaces arginine 572 with glutamine.
Molecular consequence: missense variant.
Genome position (GRCh38, 1-based): chr12:861,107, G>A. VCF-style: chr12-861107-G-A. GRCh37 (hg19) VCF-style: chr12-970273-G-A.
Other names: c.1715G>A, p.Arg572Gln (NM_001184985.2, NM_014823.3, NM_213655.5); short protein forms R572Q.
Identifiers: ClinVar variation 1971317 (VCV001971317.5), dbSNP rs1445894547, ClinGen allele CA383334929.
Genomic context (GRCh38, chr12:861,107, plus strand): 5'-AGACCATGGCTAAAGCTATCAAAGACAGAGTATCATTAATTAAGAGGAAACGAGAGCAGC[G>A]GCAGTTGGTACGGGAGGAGCAAGAAAAAAAAAAGCAGGAAGAGAGCAGTCTCAAACAGCA-3'
Protein context (NP_061852.3, residues 562-582): VSLIKRKREQ[Arg572Gln]QLVREEQEKK